The following is an entry in ClinVar:

NM_004369.4(COL6A3):c.6193G>C (p.Gly2065Arg)

Gene: COL6A3 (collagen type VI alpha 3 chain; minus strand). Cytogenetic location: 2q37.3.
Variant type: single nucleotide variant.
Coding change: c.6193G>C on transcript NM_004369.4 (MANE Select); coding-DNA position 6193, G replaced by C.
Protein change: p.Gly2065Arg; replaces glycine 2065 with arginine.
Molecular consequence: missense variant.
Genome position (GRCh38, 1-based): chr2:237,361,138, C>G on the plus strand (G>C on the coding strand, the complement: COL6A3 is on the minus strand). VCF-style: chr2-237361138-C-G. GRCh37 (hg19) VCF-style: chr2-238269781-C-G.
Other names: c.4372G>C, p.Gly1458Arg (NM_057166.5); c.5575G>C, p.Gly1859Arg (NM_057167.4); short protein forms G2065R, G1458R, G1859R.
Identifiers: ClinVar variation 284796 (VCV000284796.6), dbSNP rs397515332, ClinGen allele CA10604911.

ClinVar aggregate classification (germline): Pathogenic/Likely pathogenic. Review status: criteria provided, multiple submitters, no conflicts (2 of 4 stars). 3 submissions from 3 submitters: Pathogenic (1); Likely pathogenic (2). Last evaluated 2022-06-07.

Conditions:
COL6A3-related disorder. Also called: COL6A3-related condition; COL6A3-related disorders.
Bethlem myopathy 1A. Also called: Bethlem myopathy 1; Bethlem Muscular Dystrophy; MYOPATHY, BENIGN CONGENITAL, WITH CONTRACTURES. Identifiers: Orphanet 610, MedGen CN029274, MONDO:0024530, OMIM 158810.

Submissions (3):

Blueprint Genetics
Classification: Likely pathogenic for COL6A3-related disorders. Last evaluated: 2022-06-07. Review status: criteria provided, single submitter. Criteria: ACMG Guidelines, 2015. Collection method: clinical testing. Allele origin: germline. Affected: yes. Observed: 1 variant allele.

Labcorp Genetics (formerly Invitae), Labcorp
Classification: Pathogenic for Bethlem myopathy 1. Last evaluated: 2018-01-10. Review status: criteria provided, single submitter. Criteria: Invitae Variant Classification Sherloc (09022015). Collection method: clinical testing. Allele origin: germline.
Comment: This sequence change replaces glycine with arginine at codon 2065 of the COL6A3 protein (p.Gly2065Arg). The glycine residue is highly conserved and there is a moderate physicochemical difference between glycine and arginine. This variant is not present in population databases (ExAC no frequency). This variant has not been reported in the literature in individuals with COL6A3-related disease. ClinVar contains an entry for this variant (Variation ID: 284796). Algorithms developed to predict the effect of missense changes on protein structure and function do not agree on the potential impact of this missense change (SIFT: "Deleterious"; PolyPhen-2: "Probably Damaging"; Align-GVGD: "Class C15"). A different missense substitution at this codon (p.Gly2065Asp) has been determined to be pathogenic (PMID: 18825676, 27447704). Glycine residues within the triple helix region are crucial to maintain fibrillar collagens structure and stability (PMID: 7695699, 19344236). In the case of COL6A3, missense substitutions that affect glycine residues within the triplex helix domain have been reported in many patients affected with collagen VI myopathy (PMID: 24038877). For these reasons, this variant has been classified as Pathogenic.

Eurofins Ntd Llc (ga)
Classification: Likely pathogenic. Last evaluated: 2015-12-11. Review status: criteria provided, single submitter. Criteria: EGL Classification Definitions 2015. Collection method: clinical testing. Allele origin: germline. Observed: 1 variant allele, 1 heterozygote.

Literature cited by the submitters: PubMed 7695699 (cited by Labcorp Genetics (formerly Invitae), Labcorp); PubMed 24038877 (cited by Labcorp Genetics (formerly Invitae), Labcorp); PubMed 19344236 (cited by Labcorp Genetics (formerly Invitae), Labcorp); PubMed 27447704 (cited by Labcorp Genetics (formerly Invitae), Labcorp); PubMed 18825676 (cited by Labcorp Genetics (formerly Invitae), Labcorp).